The following is an entry in ClinVar:

ClinVar aggregate classification (germline): Uncertain significance. Review status: criteria provided, multiple submitters, no conflicts (2 of 4 stars). 2 submissions from 2 submitters: Uncertain significance (2). Last evaluated 2024-04-24.

Conditions:
Polycystic liver disease 1 (PCLD1). Also called: Polycystic liver disease 1 with or without kidney cysts. Identifiers: Orphanet 2924, MedGen C0887850, MONDO:0008265, OMIM 174050.

Allele frequency attached by ClinVar (database versions not stated): TOPMed 0.00001; ExAC 0.00002; ESP Exome Variant Server 0.00008.
gnomAD v4.1: 84 of 1,613,926 alleles (0.0052%); highest among the groups gnomAD compares: Admixed American, 0.013%; no homozygotes.

Submissions (2):

Fulgent Genetics
Classification: Uncertain significance for Polycystic liver disease 1. Last evaluated: 2024-04-24. Review status: criteria provided, single submitter. Criteria: ACMG Guidelines, 2015. Collection method: clinical testing. Allele origin: germline.

Labcorp Genetics (formerly Invitae), Labcorp
Classification: Uncertain significance. Last evaluated: 2022-07-27. Review status: criteria provided, single submitter. Criteria: Invitae Variant Classification Sherloc (09022015). Collection method: clinical testing. Allele origin: germline.
Comment: In summary, the available evidence is currently insufficient to determine the role of this variant in disease. Therefore, it has been classified as a Variant of Uncertain Significance. Algorithms developed to predict the effect of missense changes on protein structure and function are either unavailable or do not agree on the potential impact of this missense change (SIFT: "Tolerated"; PolyPhen-2: "Possibly Damaging"; Align-GVGD: "Class C0"). ClinVar contains an entry for this variant (Variation ID: 1430865). This variant has not been reported in the literature in individuals affected with PRKCSH-related conditions. This variant is present in population databases (rs377537927, gnomAD 0.02%). This sequence change replaces arginine, which is basic and polar, with histidine, which is basic and polar, at codon 121 of the PRKCSH protein (p.Arg121His).

NM_001289104.2(PRKCSH):c.362G>A (p.Arg121His)

Gene: PRKCSH (PRKCSH beta subunit of glucosidase II; plus strand). Cytogenetic location: 19p13.2.
Variant type: single nucleotide variant.
Coding change: c.362G>A on transcript NM_001289104.2 (MANE Select); coding-DNA position 362, G replaced by A.
Protein change: p.Arg121His; replaces arginine 121 with histidine.
Molecular consequence: missense variant.
Genome position (GRCh38, 1-based): chr19:11,441,251, G>A. VCF-style: chr19-11441251-G-A. GRCh37 (hg19) VCF-style: chr19-11552066-G-A.
Other names: c.362G>A, p.Arg121His (NM_001001329.3, NM_001289102.2, NM_001289103.2 and 3 more transcripts); short protein forms R121H.
Identifiers: ClinVar variation 1430865 (VCV001430865.7), dbSNP rs377537927, ClinGen allele CA9212829.